The following is an entry in ClinVar:

ClinVar aggregate classification (germline): Uncertain significance (1 of 4 stars; one submission).

Submission:

Labcorp Genetics (formerly Invitae), Labcorp
Classification: Uncertain significance. Last evaluated: 2023-05-17. Review status: criteria provided, single submitter. Criteria: Invitae Variant Classification Sherloc (09022015). Collection method: clinical testing. Allele origin: unknown.
Comment: In summary, the available evidence is currently insufficient to determine the role of this variant in disease. Therefore, it has been classified as a Variant of Uncertain Significance. This variant has not been reported in the literature in individuals affected with BLK-related conditions. A copy number gain of the genomic region encompassing the full coding sequence of the BLK gene has been identified. The boundaries of this event are unknown as they extend beyond the assayed region for this gene and therefore may encompass additional genes. As the precise location of this event is unknown, it may be in tandem or it may be located elsewhere in the genome.

NC_000008.10:g.(?_11391650)_(11421617_?)dup

Gene: BLK (BLK proto-oncogene, Src family tyrosine kinase). Cytogenetic location: 8p23.1.
Variant type: Duplication.
Identifiers: ClinVar variation 3245562 (VCV003245562.1).